The following is an entry in ClinVar:

ClinVar aggregate classification (germline): Pathogenic (1 of 4 stars; one submission).

Submission:

Labcorp Genetics (formerly Invitae), Labcorp
Classification: Pathogenic. Last evaluated: 2023-01-16. Review status: criteria provided, single submitter. Criteria: Invitae Variant Classification Sherloc (09022015). Collection method: clinical testing. Allele origin: germline.
Comment: This variant has not been reported in the literature in individuals affected with POLE-related conditions. For these reasons, this variant has been classified as Pathogenic. This sequence change creates a premature translational stop signal (p.Thr26Profs*29) in the POLE gene. It is expected to result in an absent or disrupted protein product. Loss-of-function variants in POLE are known to be pathogenic (PMID: 23230001, 25948378, 30503519). This variant is not present in population databases (gnomAD no frequency).

Literature cited by the submitters: PubMed 23230001; PubMed 25948378; PubMed 30503519.

NM_006231.4(POLE):c.73_74dup (p.Thr26fs)

Gene: POLE (DNA polymerase epsilon, catalytic subunit; minus strand). Cytogenetic location: 12q24.33.
Variant type: Microsatellite.
Coding change: c.73_74dup on transcript NM_006231.4 (MANE Select); coding-DNA positions 73 to 74, 2 bases duplicated (GC; older notation c.73_74dupGC).
Protein change: p.Thr26fs; shifts the reading frame from threonine 26.
Molecular consequence: frameshift variant.
Genome position (GRCh38, 1-based): chr12:132,681,268-132,681,269, GC duplicated on the plus strand (GC on the coding strand, the reverse complement: POLE is on the minus strand); duplicating any 2 consecutive bases within chr12:132,681,268-132,681,271 gives the same sequence; the c. name uses the placement nearest the transcript's 3' end. VCF-style (leftmost placement, unchanged base first): chr12-132681267-G-GGC. GRCh37 (hg19) VCF-style: chr12-133257853-G-GGC.
Other names: short protein forms T26fs.
Identifiers: ClinVar variation 2828994 (VCV002828994.3), dbSNP rs2542198432, ClinGen allele CA2739277409.